The following is an entry in ClinVar:

NM_198904.4(GABRG2):c.107+11C>A

Gene: GABRG2 (gamma-aminobutyric acid type A receptor subunit gamma2; plus strand). Cytogenetic location: 5q34.
Variant type: single nucleotide variant.
Coding change: c.107+11C>A on transcript NM_198904.4 (MANE Select); 11 bases into the intron after coding-DNA position 107, C replaced by A.
Molecular consequence: intron variant.
Genome position (GRCh38, 1-based): chr5:162,068,117, C>A. VCF-style: chr5-162068117-C-A. GRCh37 (hg19) VCF-style: chr5-161495123-C-A.
Other names: c.107+11C>A (NM_001375344.1, NM_001375340.1, NM_001375341.1 and 5 more transcripts); c.-252+11C>A (NM_001375350.1, NM_001375348.1); c.41+11C>A (NM_001375346.1, NM_001375345.1); c.20+476C>A (NM_001375347.1); c.-300+11C>A (NM_001375349.1).
Identifiers: ClinVar variation 668848 (VCV000668848.6), dbSNP rs376576632, ClinGen allele CA3544652.

ClinVar aggregate classification (germline): Likely benign. Review status: criteria provided, multiple submitters, no conflicts (2 of 4 stars). 2 submissions from 2 submitters: Likely benign (2). Last evaluated 2025-01-19.

Conditions:
EPILEPSY, CHILDHOOD ABSENCE, SUSCEPTIBILITY TO, 2 (ECA2). Identifiers: Orphanet 64280, MedGen C1843244, OMIM 607681.
Febrile seizures, familial, 8 (FEB8). Also called: CONVULSIONS, FAMILIAL FEBRILE, 8. Identifiers: Orphanet 36387, MedGen C1969810, MONDO:0011891, OMIM 607681.

Allele frequency attached by ClinVar (database versions not stated): gnomAD exomes below 0.00001; ExAC 0.00001; TOPMed 0.00002; gnomAD 0.00003 and 0.00004; ESP Exome Variant Server 0.00008.
gnomAD v4.1: 7 of 1,597,220 alleles (0.00044%); highest among the groups gnomAD compares: African/African-American, 0.0094%; no homozygotes.

Submissions (2):

Labcorp Genetics (formerly Invitae), Labcorp
Classification: Likely benign for Febrile seizures, familial, 8; EPILEPSY, CHILDHOOD ABSENCE, SUSCEPTIBILITY TO, 2. Last evaluated: 2025-01-19. Review status: criteria provided, single submitter. Criteria: Invitae Variant Classification Sherloc (09022015). Collection method: clinical testing. Allele origin: germline.

GeneDx
Classification: Likely benign. Last evaluated: 2018-03-21. Review status: criteria provided, single submitter. Criteria: GeneDx Variant Classification (06012015). Collection method: clinical testing. Allele origin: germline. Affected: yes.
Comment: This variant is considered likely benign or benign based on one or more of the following criteria: it is a conservative change, it occurs at a poorly conserved position in the protein, it is predicted to be benign by multiple in silico algorithms, and/or has population frequency not consistent with disease.